The following is an entry in ClinVar:

NM_198253.3(TERT):c.1574-8C>A

Gene: TERT (telomerase reverse transcriptase; minus strand). Cytogenetic location: 5p15.33.
Variant type: single nucleotide variant.
Coding change: c.1574-8C>A on transcript NM_198253.3 (MANE Select); 8 bases into the intron before coding-DNA position 1574, C replaced by A.
Molecular consequence: intron variant.
Genome position (GRCh38, 1-based): chr5:1,282,632, G>T on the plus strand (C>A on the coding strand, the complement: TERT is on the minus strand). VCF-style: chr5-1282632-G-T. GRCh37 (hg19) VCF-style: chr5-1282747-G-T.
Other names: c.1574-8C>A (NM_001193376.3).
Identifiers: ClinVar variation 2180122 (VCV002180122.4), dbSNP rs957049391, ClinGen allele CA2580071956.

ClinVar aggregate classification (germline): Uncertain significance (1 of 4 stars; one submission).

Conditions:
Dyskeratosis congenita, autosomal dominant 2. Identifiers: MedGen C3151443, MONDO:0013521, OMIM 613989.
Idiopathic Pulmonary Fibrosis. Also called: Idiopathic fibrosing alveolitis, chronic form; idiopathic fibrosing alveolitis. Identifiers: Orphanet 2032, MedGen C1800706, MeSH D054990, MONDO:0800504.

gnomAD v4.1: 1 of 1,613,528 alleles (0.000062%); highest among the groups gnomAD compares: Non-Finnish European, 0.000085%; no homozygotes.

Submission:

Labcorp Genetics (formerly Invitae), Labcorp
Classification: Uncertain significance for Dyskeratosis congenita, autosomal dominant 2; Idiopathic Pulmonary Fibrosis. Last evaluated: 2024-01-31. Review status: criteria provided, single submitter. Criteria: Invitae Variant Classification Sherloc (09022015). Collection method: clinical testing. Allele origin: germline.
Comment: This sequence change falls in intron 2 of the TERT gene. It does not directly change the encoded amino acid sequence of the TERT protein. This variant is not present in population databases (gnomAD no frequency). This variant has not been reported in the literature in individuals affected with TERT-related conditions. ClinVar contains an entry for this variant (Variation ID: 2180122). Algorithms developed to predict the effect of sequence changes on RNA splicing suggest that this variant may disrupt the consensus splice site. In summary, the available evidence is currently insufficient to determine the role of this variant in disease. Therefore, it has been classified as a Variant of Uncertain Significance.